The following is an entry in ClinVar:

NM_001205293.3(CACNA1E):c.1475G>C (p.Cys492Ser)

Gene: CACNA1E (calcium voltage-gated channel subunit alpha1 E; plus strand). Cytogenetic location: 1q25.3.
Variant type: single nucleotide variant.
Coding change: c.1475G>C on transcript NM_001205293.3 (MANE Select); coding-DNA position 1475, G replaced by C.
Protein change: p.Cys492Ser; replaces cysteine 492 with serine.
Molecular consequence: missense variant.
Genome position (GRCh38, 1-based): chr1:181,717,252, G>C. VCF-style: chr1-181717252-G-C. GRCh37 (hg19) VCF-style: chr1-181686388-G-C.
Other names: c.1475G>C, p.Cys492Ser (NM_000721.4, NM_001205294.2); short protein forms C492S.
Identifiers: ClinVar variation 2810115 (VCV002810115.5), dbSNP rs754365731, ClinGen allele CA1275122.

ClinVar aggregate classification (germline): Uncertain significance. Review status: criteria provided, multiple submitters, no conflicts (2 of 4 stars). 2 submissions from 2 submitters: Uncertain significance (2). Last evaluated 2025-01-24.

Allele frequency attached by ClinVar (database versions not stated): ExAC 0.00001.
gnomAD v4.1: 1 of 1,613,994 alleles (0.000062%); highest among the groups gnomAD compares: Admixed American, 0.0017%; no homozygotes.

Submissions (2):

Women's Health and Genetics/Laboratory Corporation of America, LabCorp
Classification: Uncertain significance. Last evaluated: 2025-01-24. Review status: criteria provided, single submitter. Criteria: LabCorp Variant Classification Summary - May 2015. Collection method: clinical testing. Allele origin: germline.
Comment: Variant summary: CACNA1E c.1475G>C (p.Cys492Ser) results in a non-conservative amino acid change in the encoded protein sequence. Four of five in-silico tools predict a damaging effect of the variant on protein function. The variant allele was found at a frequency of 4e-06 in 248950 control chromosomes. The available data on variant occurrences in the general population are insufficient to allow any conclusion about variant significance. To our knowledge, no occurrence of c.1475G>C in individuals affected with Epileptic Encephalopathy, Early Infantile, 69 and no experimental evidence demonstrating its impact on protein function have been reported. ClinVar contains an entry for this variant (Variation ID: 2810115). Based on the evidence outlined above, the variant was classified as uncertain significance.

Labcorp Genetics (formerly Invitae), Labcorp
Classification: Uncertain significance. Last evaluated: 2024-01-22. Review status: criteria provided, single submitter. Criteria: Invitae Variant Classification Sherloc (09022015). Collection method: clinical testing. Allele origin: germline.
Comment: This sequence change replaces cysteine, which is neutral and slightly polar, with serine, which is neutral and polar, at codon 492 of the CACNA1E protein (p.Cys492Ser). This variant is present in population databases (rs754365731, gnomAD 0.003%). This variant has not been reported in the literature in individuals affected with CACNA1E-related conditions. Advanced modeling of protein sequence and biophysical properties (such as structural, functional, and spatial information, amino acid conservation, physicochemical variation, residue mobility, and thermodynamic stability) has been performed at Invitae for this missense variant, however the output from this modeling did not meet the statistical confidence thresholds required to predict the impact of this variant on CACNA1E protein function. In summary, the available evidence is currently insufficient to determine the role of this variant in disease. Therefore, it has been classified as a Variant of Uncertain Significance.